The following is an entry in ClinVar:

NM_016589.4(TIMMDC1):c.438G>C (p.Val146=)

Gene: TIMMDC1 (translocase of inner mitochondrial membrane domain containing 1; plus strand). Cytogenetic location: 3q13.33.
Variant type: single nucleotide variant.
Coding change: c.438G>C on transcript NM_016589.4 (MANE Select); coding-DNA position 438, G replaced by C.
Protein change: p.Val146=; no amino-acid change (valine 146 retained).
Molecular consequence: synonymous variant.
Genome position (GRCh38, 1-based): chr3:119,503,609, G>C. VCF-style: chr3-119503609-G-C. GRCh37 (hg19) VCF-style: chr3-119222456-G-C.
Other names: c.438G>C (NM_016589.3).
Identifiers: ClinVar variation 1621743 (VCV001621743.11), dbSNP rs1131265, ClinGen allele CA2555232.
Genomic context (GRCh38, chr3:119,503,609, plus strand): 5'-TGCCACACGAGGCTTCATTCGTTATGGCTGGCGCTGGGGTTGGAGAACTGCAGTGTTTGT[G>C]ACTATATTCAAGTAAGTTCACTCTGAATTGTGAGATAGTGAATTTTCTTGATATTGTTTT-3'
Protein context (NP_057673.2, residues 136-156): WRWGWRTAVF[Val146=]TIFNTVNTSL

ClinVar aggregate classification (germline): Benign. Review status: criteria provided, multiple submitters, no conflicts (2 of 4 stars). 3 submissions from 3 submitters: Benign (2). 1 of the submissions does not count toward it. Last evaluated 2026-02-01.

Conditions:
TIMMDC1-related disorder. Also called: TIMMDC1-related condition.

Allele frequency attached by ClinVar (database versions not stated): gnomAD 0.18493 and 0.18408; gnomAD exomes 0.17672; 1000 Genomes Project 0.20727; 1000 Genomes Project 30x 0.20378; ExAC 0.20884; TOPMed 0.18641; ESP Exome Variant Server 0.19253.
gnomAD v4.1: 299,583 of 1,606,236 alleles (19%); highest among the groups gnomAD compares: East Asian, 32%; 28,983 homozygotes.

Submissions (3):

Labcorp Genetics (formerly Invitae), Labcorp
Classification: Benign. Last evaluated: 2026-02-01. Review status: criteria provided, single submitter. Criteria: Invitae Variant Classification Sherloc (09022015). Collection method: clinical testing. Allele origin: germline.

Breakthrough Genomics
Classification: Benign. Review status: criteria provided, single submitter. Criteria: ACMG Guidelines, 2015. Collection method: not provided. Allele origin: germline. Inheritance: Autosomal recessive inheritance. Affected: yes.

PreventionGenetics, part of Exact Sciences
Classification: Benign for TIMMDC1-related condition. Last evaluated: 2019-10-21. Review status: no assertion criteria provided. Collection method: clinical testing. Allele origin: germline. Not counted in ClinVar's aggregate classification.
Comment: This variant is classified as benign based on ACMG/AMP sequence variant interpretation guidelines (Richards et al. 2015 PMID: 25741868, with internal and published modifications).